The following is an entry in ClinVar:

ClinVar aggregate classification (germline): Uncertain significance (1 of 4 stars; one submission).

Submission:

GeneDx
Classification: Uncertain significance. Last evaluated: 2023-06-05. Review status: criteria provided, single submitter. Criteria: GeneDx Variant Classification Process June 2021. Collection method: clinical testing. Allele origin: germline. Affected: yes.
Comment: Not observed at significant frequency in large population cohorts (gnomAD); In silico analysis supports that this missense variant does not alter protein structure/function; Has not been previously published as pathogenic or benign to our knowledge

NM_017934.7(PHIP):c.3640G>C (p.Glu1214Gln)

Genes: IRAK1BP1 (interleukin 1 receptor associated kinase 1 binding protein 1; plus strand), PHIP (PHIP subunit of CUL4-Ring ligase complex; minus strand). Cytogenetic location: 6q14.1.
Variant type: single nucleotide variant.
Coding change: c.3640G>C on transcript NM_017934.7 (MANE Select); coding-DNA position 3640, G replaced by C.
Protein change: p.Glu1214Gln; replaces glutamic acid 1214 with glutamine.
Molecular consequence: missense variant.
Genome position (GRCh38, 1-based): chr6:78,961,706, C>G on the plus strand (G>C on the coding strand, the complement: PHIP is on the minus strand). VCF-style: chr6-78961706-C-G. GRCh37 (hg19) VCF-style: chr6-79671423-C-G.
Other names: short protein forms E1214Q.
Identifiers: ClinVar variation 3359518 (VCV003359518.1).
Genomic context (GRCh38, chr6:78,961,706, plus strand): 5'-TCACCAGCTTTCCTTTGATAGTAGCTACATCAAATGGTTCTAACCTGTAAAACCTGTTTT[C>G]CAGTCTTTGTTTAATTGTACTTAGATCCGTTGGATATGCCACTACTGTGCAATACATGGG-3'
Protein context (NP_060404.4, residues 1204-1224): TDLSTIKQRL[Glu1214Gln]NRFYRRVSSL